The following is an entry in ClinVar:

NM_173628.4(DNAH17):c.9284G>T (p.Ser3095Ile)

Gene: DNAH17 (dynein axonemal heavy chain 17; minus strand). Cytogenetic location: 17q25.3.
Variant type: single nucleotide variant.
Coding change: c.9284G>T on transcript NM_173628.4 (MANE Select); coding-DNA position 9284, G replaced by T.
Protein change: p.Ser3095Ile; replaces serine 3095 with isoleucine.
Molecular consequence: missense variant.
Genome position (GRCh38, 1-based): chr17:78,461,599, C>A on the plus strand (G>T on the coding strand, the complement: DNAH17 is on the minus strand). VCF-style: chr17-78461599-C-A. GRCh37 (hg19) VCF-style: chr17-76457681-C-A.
Other names: short protein forms S3095I.
Identifiers: ClinVar variation 2508438 (VCV002508438.4), dbSNP rs528461851, ClinGen allele CA8801422.

ClinVar aggregate classification (germline): Uncertain significance. Review status: criteria provided, multiple submitters, no conflicts (2 of 4 stars). 2 submissions from 2 submitters: Uncertain significance (2). Last evaluated 2023-05-10.

Conditions:
Spermatogenic failure 39. Identifiers: MedGen C5231438, MONDO:0032845, OMIM 618643.
Inborn genetic diseases. Identifiers: MedGen C0950123, MeSH D030342.

Allele frequency attached by ClinVar (database versions not stated): gnomAD exomes 0.00002; gnomAD 0.00004; TOPMed 0.00006; ExAC 0.00014; 1000 Genomes Project 30x 0.00031; 1000 Genomes Project 0.00040.
gnomAD v4.1: 40 of 1,607,140 alleles (0.0025%); highest among the groups gnomAD compares: East Asian, 0.081%; no homozygotes.

Submissions (2):

Ambry Genetics
Classification: Uncertain significance for Inborn genetic diseases. Last evaluated: 2023-05-10. Review status: criteria provided, single submitter. Criteria: Ambry Variant Classification Scheme 2023. Collection method: clinical testing. Allele origin: germline.

Juno Genomics, Hangzhou Juno Genomics, Inc
Classification: Uncertain significance for Spermatogenic failure 39. Review status: criteria provided, single submitter. Criteria: ACMG Guidelines, 2015. Collection method: clinical testing. Allele origin: germline.
Comment: Absent from controls (or at extremely low frequency if recessive) in Genome Aggregation Database.